The following is an entry in ClinVar:

ClinVar aggregate classification (germline): Pathogenic/Likely pathogenic. Review status: criteria provided, multiple submitters, no conflicts (2 of 4 stars). 6 submissions from 6 submitters: Pathogenic (2); Likely pathogenic (3). 1 of the submissions does not count toward it. Last evaluated 2025-02-05.

Conditions:
Retinal dystrophy. Also called: Inherited retinal dystrophy. Identifiers: Orphanet 71862, MedGen C0854723, MeSH D058499, MONDO:0019118, HP:0000556.
Retinitis pigmentosa 31 (RP31). Identifiers: Orphanet 791, MedGen C1835923, MONDO:0012367, OMIM 609923.

Allele frequency attached by ClinVar (database versions not stated): gnomAD exomes below 0.00001.
gnomAD v4.1: 1 of 1,613,520 alleles (0.000062%); highest among the groups gnomAD compares: Non-Finnish European, 0.000085%; no homozygotes.

Submissions (6):

SingHealth Duke-NUS Institute of Precision Medicine
Classification: Likely pathogenic for Retinitis pigmentosa 31. Last evaluated: 2025-02-05. Review status: criteria provided, single submitter. Criteria: PRISM ACMG Classification Criteria. Collection method: clinical testing. Allele origin: germline. Affected: yes.
Comment: Variant is not found in gnomAD genomes and homozygous allele count in gnomAD exomes is less than 0 (PM2). Variant is predicted to affect two functional domains in the protein and cause LOF. Variant removes >10% of protein (PVS1)

Dept Of Ophthalmology, Nagoya University
Classification: Likely pathogenic for Retinal dystrophy. Last evaluated: 2023-10-01. Review status: criteria provided, single submitter. Criteria: Submitter's publication. Collection method: research. Allele origin: germline. Affected: yes.

Labcorp Genetics (formerly Invitae), Labcorp
Classification: Pathogenic. Last evaluated: 2022-10-23. Review status: criteria provided, single submitter. Criteria: Invitae Variant Classification Sherloc (09022015). Collection method: clinical testing. Allele origin: germline.
Comment: This sequence change creates a premature translational stop signal (p.Arg847*) in the TOPORS gene. While this is not anticipated to result in nonsense mediated decay, it is expected to disrupt the last 199 amino acid(s) of the TOPORS protein. This variant is not present in population databases (gnomAD no frequency). This premature translational stop signal has been observed in individuals with retinitis pigmentosa (PMID: 22581970, 26155838, 28453362). It has also been observed to segregate with disease in related individuals. This variant is also known as p.R782X. ClinVar contains an entry for this variant (Variation ID: 224754). This protein change is located in a region of the TOPORS protein where a significant number of previously reported TOPORS nonsense and frameshift mutations are found (PMID: 18509552, 23950152, 28076437, 17924349). These observations suggest that a previously unreported nonsense or frameshift change within this region may affect protein function, but experiments have not been done to test this possibility. For these reasons, this variant has been classified as Pathogenic.

GeneDx
Classification: Likely pathogenic. Last evaluated: 2019-07-26. Review status: criteria provided, single submitter. Criteria: GeneDx Variant Classification Process June 2021. Collection method: clinical testing. Allele origin: germline. Affected: yes.
Comment: Nonsense variant in the C-terminus predicted to result in protein truncation, as the last 199 amino acids are lost, and other loss-of-function variants have been reported downstream in the Human Gene Mutation Database (Stenson et al., 2014); Not observed in large population cohorts (Lek et al., 2016); This variant is associated with the following publications: (PMID: 33576794, 28453362, 26155838, 22581970, 26872967)

CeGaT Center for Human Genetics Tuebingen
Classification: Pathogenic. Last evaluated: 2016-10-01. Review status: criteria provided, single submitter. Criteria: CeGaT Center For Human Genetics Tuebingen Variant Classification Criteria Version 2. Collection method: clinical testing. Allele origin: germline. Affected: yes. Observed: 3 variant alleles.

Centre for Genomic Medicine, Manchester, Central Manchester University Hospitals
Classification: Likely pathogenic for Retinal dystrophy. Last evaluated: 2015-01-30. Review status: no assertion criteria provided. Collection method: clinical testing. Allele origin: germline. Affected: yes. Not counted in ClinVar's aggregate classification.

Literature cited by the submitters: PubMed 22581970 (cited by Labcorp Genetics (formerly Invitae), Labcorp); PubMed 26155838 (cited by Labcorp Genetics (formerly Invitae), Labcorp); PubMed 28453362 (cited by Labcorp Genetics (formerly Invitae), Labcorp); PubMed 18509552 (cited by Labcorp Genetics (formerly Invitae), Labcorp); PubMed 23950152 (cited by Labcorp Genetics (formerly Invitae), Labcorp); PubMed 28076437 (cited by Labcorp Genetics (formerly Invitae), Labcorp); PubMed 17924349 (cited by Labcorp Genetics (formerly Invitae), Labcorp); PubMed 26872967 (cited by Centre for Genomic Medicine, Manchester, Central Manchester University Hospitals).

NM_005802.5(TOPORS):c.2539C>T (p.Arg847Ter)

Gene: TOPORS (TOP1 binding arginine/serine rich protein, E3 ubiquitin ligase; minus strand). Cytogenetic location: 9p21.1.
Variant type: single nucleotide variant.
Coding change: c.2539C>T on transcript NM_005802.5 (MANE Select); coding-DNA position 2539, C replaced by T.
Protein change: p.Arg847Ter; replaces arginine 847 with a stop codon.
Molecular consequence: nonsense.
Genome position (GRCh38, 1-based): chr9:32,541,986, G>A on the plus strand (C>T on the coding strand, the complement: TOPORS is on the minus strand). VCF-style: chr9-32541986-G-A. GRCh37 (hg19) VCF-style: chr9-32541984-G-A.
Other names: c.2344C>T, p.Arg782Ter (NM_001195622.2); short protein forms R847*, R782*.
Identifiers: ClinVar variation 224754 (VCV000224754.51), dbSNP rs869312183, ClinGen allele CA353607.